The following is an entry in ClinVar:

NM_178138.6(LHX3):c.915G>A (p.Gln305=)

Gene: LHX3 (LIM homeobox 3; minus strand). Cytogenetic location: 9q34.3.
Variant type: single nucleotide variant.
Coding change: c.915G>A on transcript NM_178138.6 (MANE Select); coding-DNA position 915, G replaced by A.
Protein change: p.Gln305=; no amino-acid change (glutamine 305 retained).
Molecular consequence: synonymous variant.
Genome position (GRCh38, 1-based): chr9:136,197,604, C>T on the plus strand (G>A on the coding strand, the complement: LHX3 is on the minus strand). VCF-style: chr9-136197604-C-T. GRCh37 (hg19) VCF-style: chr9-139089450-C-T.
Other names: c.930G>A, p.Gln310= (NM_014564.5); c.882G>A, p.Gln294= (NM_001363746.1).
Identifiers: ClinVar variation 765894 (VCV000765894.17), dbSNP rs548140963, ClinGen allele CA5330295.
Genomic context (GRCh38, chr9:136,197,604, plus strand): 5'-CTGCGGGGCGGCGGGGGATGGGGGGACACCGTAGGGGCTGCCGGGACGCAGCTCTCGGTA[C>T]TGCTCTGGGCCTGCCAGGCCTCCATGCTCCAGGGAGAAGTTGCCCAGGGCTCCCGAGGGC-3'
Protein context (NP_835258.1, residues 295-315): LEHGGLAGPE[Gln305=]YRELRPGSPY

ClinVar aggregate classification (germline): Conflicting classifications of pathogenicity. Review status: criteria provided, conflicting classifications (1 of 4 stars). 5 submissions from 5 submitters: Uncertain significance (1); Benign (1); Likely benign (2). 1 of the submissions does not count toward it. Last evaluated 2026-01-28.

Conditions:
Non-acquired combined pituitary hormone deficiency with spine abnormalities (CPHD3). Also called: Winkelman Bethge Pfeiffer syndrome; WBP syndrome; Combined pituitary hormone deficiency type 3. Identifiers: Orphanet 231720, MedGen C3489787, MONDO:0009091, OMIM 221750.
LHX3-related disorder. Also called: LHX3-related condition.
Combined pituitary hormone deficiencies, genetic form. Also called: Pituitary hormone deficiency, combined. Identifiers: Orphanet 95494, MedGen C4273747, MONDO:0013099.

Allele frequency attached by ClinVar (database versions not stated): 1000 Genomes Project 30x 0.00047; 1000 Genomes Project 0.00060.
gnomAD v4.1: 266 of 1,555,230 alleles (0.017%); highest among the groups gnomAD compares: South Asian, 0.29%; 2 homozygotes.

Submissions (5):

Labcorp Genetics (formerly Invitae), Labcorp
Classification: Benign. Last evaluated: 2026-01-28. Review status: criteria provided, single submitter. Criteria: Invitae Variant Classification Sherloc (09022015). Collection method: clinical testing. Allele origin: germline.

PreventionGenetics, part of Exact Sciences
Classification: Likely benign for LHX3-related condition. Last evaluated: 2025-04-07. Review status: criteria provided, single submitter. Criteria: ACMG Guidelines, 2015. Collection method: clinical testing. Allele origin: germline.
Comment: This variant is classified as likely benign based on ACMG/AMP sequence variant interpretation guidelines (Richards et al. 2015 PMID: 25741868, with internal and published modifications).

Blueprint Genetics
Classification: Likely benign. Last evaluated: 2024-11-22. Review status: criteria provided, single submitter. Criteria: ACMG Guidelines, 2015. Collection method: clinical testing. Allele origin: germline.

Illumina Laboratory Services, Illumina
Classification: Uncertain significance for Non-acquired combined pituitary hormone deficiency with spine abnormalities. Last evaluated: 2018-01-13. Review status: criteria provided, single submitter. Criteria: ICSL Variant Classification Criteria 13 December 2019. Collection method: clinical testing. Allele origin: germline.

Natera, Inc.
Classification: Uncertain significance for Combined pituitary hormone deficiency. Last evaluated: 2020-01-24. Review status: no assertion criteria provided. Collection method: clinical testing. Allele origin: germline. Not counted in ClinVar's aggregate classification.